The following is an entry in ClinVar:

NM_000321.3(RB1):c.1937_1940del (p.Ser646fs)

Gene: RB1 (RB transcriptional corepressor 1; plus strand). Cytogenetic location: 13q14.2.
Variant type: Microsatellite.
Coding change: c.1937_1940del on transcript NM_000321.3 (MANE Select); coding-DNA positions 1937 to 1940, 4 bases deleted (CTCT; older notation c.1937_1940delCTCT).
Protein change: p.Ser646fs; shifts the reading frame from serine 646.
Molecular consequence: frameshift variant.
Genome position (GRCh38, 1-based): chr13:48,456,326-48,456,329, CTCT deleted; deleting any 4 consecutive bases within chr13:48,456,324-48,456,329 gives the same sequence; the c. name uses the placement nearest the transcript's 3' end. VCF-style (leftmost placement, unchanged base first): chr13-48456323-CCTCT-C. GRCh37 (hg19) VCF-style: chr13-49030459-CCTCT-C.
Other names: short protein forms S646fs.
Identifiers: ClinVar variation 1069184 (VCV001069184.7), dbSNP rs2138331562, ClinGen allele CA2580614722.

ClinVar aggregate classification (germline): Pathogenic (1 of 4 stars; one submission).

Conditions:
Retinoblastoma (RB1). Also called: RETINOBLASTOMA, SOMATIC. Identifiers: Orphanet 790, MedGen C0035335, MeSH D012175, MONDO:0008380, OMIM 180200, HP:0009919. Disease mechanism: loss of function. Inheritance: Both sporadic and heritable forms are tested..

Submission:

Labcorp Genetics (formerly Invitae), Labcorp
Classification: Pathogenic for Retinoblastoma. Last evaluated: 2016-03-27. Review status: criteria provided, single submitter. Criteria: Invitae Variant Classification Sherloc (09022015). Collection method: clinical testing. Allele origin: germline.
Comment: For these reasons, this variant has been classified as Pathogenic. While this particular variant has not been reported in the literature, truncating variants in RB1 are known to be pathogenic (PMID: 17096365). This sequence change deletes 4 nucleotides from exon 19 of the RB1 mRNA (c.1937_1940delCTCT), causing a frameshift at codon 646. This creates a premature translational stop signal (p.Ser646Phefs*11) and is expected to result in an absent or disrupted protein product.

Literature cited by the submitters: PubMed 17096365.